The following is an entry in ClinVar:

ClinVar aggregate classification (germline): Uncertain significance (1 of 4 stars; one submission).

Conditions:
Peripheral neuropathy. Also called: Neuropathy. Identifiers: MedGen C0031117, MONDO:0005244, HP:0009830.

Allele frequency attached by ClinVar (database versions not stated): ExAC 0.00004; gnomAD 0.00007 and 0.00008; TOPMed 0.00007; ESP Exome Variant Server 0.00008.
gnomAD v4.1: 101 of 1,613,674 alleles (0.0063%); highest among the groups gnomAD compares: Non-Finnish European, 0.0076%; no homozygotes.

Submission:

Labcorp Genetics (formerly Invitae), Labcorp
Classification: Uncertain significance for Neuropathy. Last evaluated: 2019-02-04. Review status: criteria provided, single submitter. Criteria: Invitae Variant Classification Sherloc (09022015). Collection method: clinical testing. Allele origin: germline.
Comment: This sequence change replaces alanine with valine at codon 549 of the FLRT1 protein (p.Ala549Val). The alanine residue is highly conserved and there is a small physicochemical difference between alanine and valine. This variant is present in population databases (rs148484621, ExAC 0.008%). This variant has not been reported in the literature in individuals with FLRT1-related conditions. Algorithms developed to predict the effect of missense changes on protein structure and function output the following: SIFT: "Tolerated"; PolyPhen-2: "Benign"; Align-GVGD: "Class C0". The valine amino acid residue is found in multiple mammalian species, suggesting that this missense change does not adversely affect protein function. These predictions have not been confirmed by published functional studies and their clinical significance is uncertain. Algorithms developed to predict the effect of sequence changes on RNA splicing suggest that this variant may create or strengthen a splice site, but this prediction has not been confirmed by published transcriptional studies. In summary, the available evidence is currently insufficient to determine the role of this variant in disease. Therefore, it has been classified as a Variant of Uncertain Significance.

NM_013280.5(FLRT1):c.1646C>T (p.Ala549Val)

Genes: FLRT1 (fibronectin leucine rich transmembrane protein 1; plus strand), MACROD1 (mono-ADP ribosylhydrolase 1; minus strand). Cytogenetic location: 11q13.1.
Variant type: single nucleotide variant.
Coding change: c.1646C>T on transcript NM_013280.5 (MANE Select); coding-DNA position 1646, C replaced by T.
Protein change: p.Ala549Val; replaces alanine 549 with valine.
Molecular consequence: missense variant. On other transcripts: intron variant (2).
Genome position (GRCh38, 1-based): chr11:64,117,913, C>T. VCF-style: chr11-64117913-C-T. GRCh37 (hg19) VCF-style: chr11-63885385-C-T.
Other names: c.1646C>T, p.Ala549Val (NM_001384466.1); c.1562C>T, p.Ala521Val (NM_001423967.1); c.517+33326G>A (NM_001411019.1, NM_014067.4); short protein forms A549V, A521V.
Identifiers: ClinVar variation 835656 (VCV000835656.1), dbSNP rs148484621, ClinGen allele CA6067751.